The following is an entry in ClinVar:

ClinVar aggregate classification (germline): Conflicting classifications of pathogenicity. Review status: criteria provided, conflicting classifications (1 of 4 stars). 3 submissions from 3 submitters: Uncertain significance (2); Benign (1). Last evaluated 2025-11-17.

Conditions:
Hereditary cancer-predisposing syndrome. Also called: Tumor predisposition; Hereditary Cancer Syndrome; Hereditary neoplastic syndrome; Neoplastic Syndromes, Hereditary. Identifiers: Orphanet 140162, MedGen C0027672, MeSH D009386, MONDO:0015356.
Neurofibromatosis, type 1 (NF1). Also called: VON RECKLINGHAUSEN DISEASE; NEUROFIBROMATOSIS, TYPE I, SOMATIC; Peripheral type neurofibromatosis; Neurofibromatosis, type I. Identifiers: Orphanet 636, MedGen C0027831, MONDO:0018975, OMIM 162200. Disease mechanism: loss of function.

Allele frequency attached by ClinVar (database versions not stated): gnomAD exomes below 0.00001.
gnomAD v4.1: 1 of 1,614,166 alleles (0.000062%); highest among the groups gnomAD compares: East Asian, 0.0022%; no homozygotes.

Submissions (3):

Labcorp Genetics (formerly Invitae), Labcorp
Classification: Benign for Neurofibromatosis, type 1. Last evaluated: 2025-11-17. Review status: criteria provided, single submitter. Criteria: Invitae Variant Classification Sherloc (09022015). Collection method: clinical testing. Allele origin: germline.

Genome-Nilou Lab
Classification: Uncertain significance for Neurofibromatosis, type 1. Last evaluated: 2022-03-15. Review status: criteria provided, single submitter. Criteria: ACMG Guidelines, 2015. Collection method: clinical testing. Allele origin: germline. Affected: no.

Ambry Genetics
Classification: Uncertain significance for Hereditary cancer-predisposing syndrome. Last evaluated: 2014-05-23. Review status: criteria provided, single submitter. Criteria: Ambry Autosomal Dominant and X-Linked criteria (10/2015). Collection method: clinical testing. Allele origin: germline. Observed: 1 variant allele.
Comment: The p.H1348R variant (also known as c.4043A>G), located in coding exon 30 of the NF1 gene, results from an A to G substitution at nucleotide position 4043. The histidine at codon 1348 is replaced by arginine, an amino acid with highly similar properties. This variant was not reported in population based cohorts in the following databases: Database of Single Nucleotide Polymorphisms (dbSNP), NHLBI Exome Sequencing Project (ESP), and 1000 Genomes Project.To date, this alteration has been detected with an allele frequency of approximately 0.02% (greater than 5000 alleles tested) in our clinical cohort (includes this individual).This amino acid position is well conserved in available vertebrate species. In addition, the in silico prediction for this alteration is inconclusive.Since supporting evidence is limited at this time, the clinical significance ofp.H1348Rremains unclear.

NM_001042492.3(NF1):c.4043A>G (p.His1348Arg)

Gene: NF1 (neurofibromin 1; plus strand). Cytogenetic location: 17q11.2.
Variant type: single nucleotide variant.
Coding change: c.4043A>G on transcript NM_001042492.3 (MANE Select); coding-DNA position 4043, A replaced by G.
Protein change: p.His1348Arg; replaces histidine 1348 with arginine.
Molecular consequence: missense variant.
Genome position (GRCh38, 1-based): chr17:31,249,052, A>G. VCF-style: chr17-31249052-A-G. GRCh37 (hg19) VCF-style: chr17-29576070-A-G.
Other names: c.4043A>G, p.His1348Arg (NM_000267.4); short protein forms H1348R.
Identifiers: ClinVar variation 184987 (VCV000184987.11), dbSNP rs786201844, ClinGen allele CA190688.